The following is an entry in ClinVar:

ClinVar aggregate classification (germline): Uncertain significance (1 of 4 stars; one submission).

Conditions:
Arrhythmogenic right ventricular dysplasia 12. Also called: ARRHYTHMOGENIC RIGHT VENTRICULAR DYSPLASIA, FAMILIAL, 12. Identifiers: MedGen C1969081, MONDO:0012684, OMIM 611528.
Naxos disease (NXD). Also called: MAL DE NAXOS; PALMOPLANTAR KERATODERMA WITH ARRHYTHMOGENIC RIGHT VENTRICULAR CARDIOMYOPATHY AND WOOLLY HAIR; WOOLLY HAIR, PALMOPLANTAR KERATODERMA, AND CARDIAC ABNORMALITIES; KERATOSIS PALMOPLANTARIS WITH ARRHYTHMOGENIC CARDIOMYOPATHY; CARDIOMYOPATHY, ARRHYTHMOGENIC RIGHT VENTRICULAR, WITH SKIN, HAIR, AND NAIL ABNORMALITIES. Identifiers: Orphanet 34217, MedGen C1832600, MONDO:0011017, OMIM 601214.

Allele frequency attached by ClinVar (database versions not stated): gnomAD exomes below 0.00001; TOPMed below 0.00001.
gnomAD v4.1: 1 of 1,608,636 alleles (0.000062%); highest among the groups gnomAD compares: Non-Finnish European, 0.000085%; no homozygotes.

Submission:

Labcorp Genetics (formerly Invitae), Labcorp
Classification: Uncertain significance for Arrhythmogenic right ventricular dysplasia 12; Naxos disease. Last evaluated: 2021-05-07. Review status: criteria provided, single submitter. Criteria: Invitae Variant Classification Sherloc (09022015). Collection method: clinical testing. Allele origin: germline.
Comment: In summary, the available evidence is currently insufficient to determine the role of this variant in disease. Therefore, it has been classified as a Variant of Uncertain Significance. Algorithms developed to predict the effect of missense changes on protein structure and function (SIFT, PolyPhen-2, Align-GVGD) all suggest that this variant is likely to be tolerated, but these predictions have not been confirmed by published functional studies and their clinical significance is uncertain. This variant has not been reported in the literature in individuals with JUP-related conditions. This variant is not present in population databases (ExAC no frequency). This sequence change replaces threonine with alanine at codon 78 of the JUP protein (p.Thr78Ala). The threonine residue is moderately conserved and there is a small physicochemical difference between threonine and alanine.

NM_002230.4(JUP):c.232A>G (p.Thr78Ala)

Gene: JUP (junction plakoglobin; minus strand). Cytogenetic location: 17q21.2.
Variant type: single nucleotide variant.
Coding change: c.232A>G on transcript NM_002230.4 (MANE Select); coding-DNA position 232, A replaced by G.
Protein change: p.Thr78Ala; replaces threonine 78 with alanine.
Molecular consequence: missense variant.
Genome position (GRCh38, 1-based): chr17:41,769,654, T>C on the plus strand (A>G on the coding strand, the complement: JUP is on the minus strand). VCF-style: chr17-41769654-T-C. GRCh37 (hg19) VCF-style: chr17-39925906-T-C.
Other names: c.232A>G, p.Thr78Ala (NM_001352773.2, NM_001352774.2, NM_001352775.2 and 3 more transcripts); short protein forms T78A.
Identifiers: ClinVar variation 855054 (VCV000855054.7), dbSNP rs1916308035, ClinGen allele CA399506016.
Genomic context (GRCh38, chr17:41,769,654, plus strand): 5'-TGTCCTCGCCTGACACACCAGGGCACATGGCCTCCCGCACCCGTTTGGCCCTGGCTGTTG[T>C]GGACATCTGGTACTCCAGATCACCTGGGGGCCATGGGGACAGGGACTGAGTGCAGGCAGT-3'
Protein context (NP_002221.1, residues 68-88): SQGDLEYQMS[Thr78Ala]TARAKRVREA